The following is an entry in ClinVar:

ClinVar aggregate classification (germline): Uncertain significance (1 of 4 stars; one submission).

Submission:

Labcorp Genetics (formerly Invitae), Labcorp
Classification: Uncertain significance. Last evaluated: 2025-04-28. Review status: criteria provided, single submitter. Criteria: Invitae Variant Classification Sherloc (09022015). Collection method: clinical testing. Allele origin: germline.
Comment: This sequence change replaces serine, which is neutral and polar, with cysteine, which is neutral and slightly polar, at codon 1687 of the POLE protein (p.Ser1687Cys). This variant is not present in population databases (gnomAD no frequency). This variant has not been reported in the literature in individuals affected with POLE-related conditions. ClinVar contains an entry for this variant (Variation ID: 3647948). Invitae Evidence Modeling of protein sequence and biophysical properties (such as structural, functional, and spatial information, amino acid conservation, physicochemical variation, residue mobility, and thermodynamic stability) has been performed for this missense variant. However, the output from this modeling did not meet the statistical confidence thresholds required to predict the impact of this variant on POLE protein function. In summary, the available evidence is currently insufficient to determine the role of this variant in disease. Therefore, it has been classified as a Variant of Uncertain Significance.

NM_006231.4(POLE):c.5060C>G (p.Ser1687Cys)

Gene: POLE (DNA polymerase epsilon, catalytic subunit; minus strand). Cytogenetic location: 12q24.33.
Variant type: single nucleotide variant.
Coding change: c.5060C>G on transcript NM_006231.4 (MANE Select); coding-DNA position 5060, C replaced by G.
Protein change: p.Ser1687Cys; replaces serine 1687 with cysteine.
Molecular consequence: missense variant.
Genome position (GRCh38, 1-based): chr12:132,642,290, G>C on the plus strand (C>G on the coding strand, the complement: POLE is on the minus strand). VCF-style: chr12-132642290-G-C. GRCh37 (hg19) VCF-style: chr12-133218876-G-C.
Other names: short protein forms S1687C.
Identifiers: ClinVar variation 3647948 (VCV003647948.2).